The following is an entry in ClinVar:

ClinVar aggregate classification (germline): Uncertain significance. Review status: criteria provided, multiple submitters, no conflicts (2 of 4 stars). 2 submissions from 2 submitters: Uncertain significance (2). Last evaluated 2022-07-12.

Allele frequency attached by ClinVar (database versions not stated): gnomAD 0.00001; TOPMed 0.00003.
gnomAD v4.1: 28 of 1,612,492 alleles (0.0017%); highest among the groups gnomAD compares: South Asian, 0.013%; no homozygotes.

Submissions (2):

Labcorp Genetics (formerly Invitae), Labcorp
Classification: Uncertain significance. Last evaluated: 2022-07-12. Review status: criteria provided, single submitter. Criteria: Invitae Variant Classification Sherloc (09022015). Collection method: clinical testing. Allele origin: germline.
Comment: This sequence change replaces arginine, which is basic and polar, with glutamine, which is neutral and polar, at codon 60 of the CFAP410 protein (p.Arg60Gln). The frequency data for this variant in the population databases is considered unreliable, as metrics indicate poor data quality at this position in the gnomAD database. This variant has not been reported in the literature in individuals affected with CFAP410-related conditions. ClinVar contains an entry for this variant (Variation ID: 1419614). Algorithms developed to predict the effect of missense changes on protein structure and function output the following: SIFT: "Tolerated"; PolyPhen-2: "Benign"; Align-GVGD: "Class C0". The glutamine amino acid residue is found in multiple mammalian species, which suggests that this missense change does not adversely affect protein function. In summary, the available evidence is currently insufficient to determine the role of this variant in disease. Therefore, it has been classified as a Variant of Uncertain Significance.

Blueprint Genetics
Classification: Uncertain significance. Last evaluated: 2022-04-05. Review status: criteria provided, single submitter. Criteria: ACMG Guidelines, 2015. Collection method: clinical testing. Allele origin: germline.

NM_004928.3(CFAP410):c.179G>A (p.Arg60Gln)

Gene: CFAP410 (cilia and flagella associated protein 410; minus strand). Cytogenetic location: 21q22.3.
Variant type: single nucleotide variant.
Coding change: c.179G>A on transcript NM_004928.3 (MANE Select); coding-DNA position 179, G replaced by A.
Protein change: p.Arg60Gln; replaces arginine 60 with glutamine.
Molecular consequence: missense variant.
Genome position (GRCh38, 1-based): chr21:44,333,227, C>T on the plus strand (G>A on the coding strand, the complement: CFAP410 is on the minus strand). VCF-style: chr21-44333227-C-T. GRCh37 (hg19) VCF-style: chr21-45753110-C-T.
Other names: c.179G>A, p.Arg60Gln (NM_001271440.2, NM_001271441.2); c.56G>A, p.Arg19Gln (NM_001271442.1); short protein forms R19Q, R60Q.
Identifiers: ClinVar variation 1419614 (VCV001419614.7), dbSNP rs763314924, ClinGen allele CA10053769.